The following is an entry in ClinVar:

NM_001283009.2(RTEL1):c.3604C>T (p.Pro1202Ser)

Genes: RTEL1-TNFRSF6B (RTEL1-TNFRSF6B readthrough (NMD candidate); plus strand), RTEL1 (regulator of telomere elongation helicase 1; plus strand). Cytogenetic location: 20q13.33.
Variant type: single nucleotide variant.
Coding change: c.3604C>T on transcript NM_001283009.2 (MANE Select); coding-DNA position 3604, C replaced by T.
Protein change: p.Pro1202Ser; replaces proline 1202 with serine.
Molecular consequence: missense variant. On other transcripts: non-coding transcript variant (1).
Genome position (GRCh38, 1-based): chr20:63,695,432, C>T. VCF-style: chr20-63695432-C-T. GRCh37 (hg19) VCF-style: chr20-62326785-C-T.
Other names: c.2935C>T, p.Pro979Ser (NM_001283010.1); c.3604C>T, p.Pro1202Ser (NM_016434.4); c.3676C>T, p.Pro1226Ser (NM_032957.5); short protein forms P1202S, P1226S, P979S.
Identifiers: ClinVar variation 4788339 (VCV004788339.1).

ClinVar aggregate classification (germline): Uncertain significance (1 of 4 stars; one submission).

Conditions:
Dyskeratosis congenita, autosomal recessive 5 (DKCB5). Identifiers: MedGen C3554656, MONDO:0014076, OMIM 615190.
Pulmonary fibrosis and/or bone marrow failure, Telomere-related, 3. Also called: PULMONARY FIBROSIS AND/OR BONE MARROW FAILURE SYNDROME, TELOMERE-RELATED, 3. Identifiers: Orphanet 2032, MedGen C4225346, MONDO:0014613, OMIM 616373.

gnomAD v4.1: 2 of 1,571,004 alleles (0.00013%); highest among the groups gnomAD compares: East Asian, 0.0045%; no homozygotes.

Submission:

Labcorp Genetics (formerly Invitae), Labcorp
Classification: Uncertain significance for Dyskeratosis congenita, autosomal recessive 5; Pulmonary fibrosis and/or bone marrow failure, Telomere-related, 3. Last evaluated: 2025-06-22. Review status: criteria provided, single submitter. Criteria: Invitae Variant Classification Sherloc (09022015). Collection method: clinical testing. Allele origin: germline.
Comment: This sequence change replaces proline, which is neutral and non-polar, with serine, which is neutral and polar, at codon 1202 of the RTEL1 protein (p.Pro1202Ser). This variant is present in population databases (rs746529768, gnomAD 0.006%). This variant has not been reported in the literature in individuals affected with RTEL1-related conditions. An algorithm developed to predict the effect of missense changes on protein structure and function outputs the following: PolyPhen-2: "Benign". The serine amino acid residue is found in multiple mammalian species, which suggests that this missense change does not adversely affect protein function. In summary, the available evidence is currently insufficient to determine the role of this variant in disease. Therefore, it has been classified as a Variant of Uncertain Significance.